The following is an entry in ClinVar:

ClinVar aggregate classification (germline): Uncertain significance (1 of 4 stars; one submission).

Allele frequency attached by ClinVar (database versions not stated): gnomAD exomes below 0.00001.

Submission:

Labcorp Genetics (formerly Invitae), Labcorp
Classification: Uncertain significance. Last evaluated: 2022-04-04. Review status: criteria provided, single submitter. Criteria: Invitae Variant Classification Sherloc (09022015). Collection method: clinical testing. Allele origin: germline.
Comment: This variant is not present in population databases (gnomAD no frequency). This variant has not been reported in the literature in individuals affected with COL9A1-related conditions. Advanced modeling of protein sequence and biophysical properties (such as structural, functional, and spatial information, amino acid conservation, physicochemical variation, residue mobility, and thermodynamic stability) performed at Invitae indicates that this missense variant is not expected to disrupt COL9A1 protein function. In summary, the available evidence is currently insufficient to determine the role of this variant in disease. Therefore, it has been classified as a Variant of Uncertain Significance. This sequence change replaces aspartic acid, which is acidic and polar, with asparagine, which is neutral and polar, at codon 383 of the COL9A1 protein (p.Asp383Asn).

NM_001851.6(COL9A1):c.1147G>A (p.Asp383Asn)

Genes: COL9A1 (collagen type IX alpha 1 chain; minus strand), LOC129996692 (ATAC-STARR-seq lymphoblastoid active region 24730; plus strand). Cytogenetic location: 6q13.
Variant type: single nucleotide variant.
Coding change: c.1147G>A on transcript NM_001851.6 (MANE Select); coding-DNA position 1147, G replaced by A.
Protein change: p.Asp383Asn; replaces aspartic acid 383 with asparagine.
Molecular consequence: missense variant. On other transcripts: non-coding transcript variant (1).
Genome position (GRCh38, 1-based): chr6:70,270,364, C>T on the plus strand (G>A on the coding strand, the complement: COL9A1 is on the minus strand). VCF-style: chr6-70270364-C-T. GRCh37 (hg19) VCF-style: chr6-70980067-C-T.
Other names: c.418G>A, p.Asp140Asn (NM_001377289.1, NM_001377290.1, NM_078485.4); short protein forms D383N, D140N.
Identifiers: ClinVar variation 2118944 (VCV002118944.4), dbSNP rs2483397746, ClinGen allele CA364681327.